The following is an entry in ClinVar:

NM_000548.5(TSC2):c.5203dup (p.Ile1735fs)

Gene: TSC2 (TSC complex subunit 2; plus strand). Cytogenetic location: 16p13.3.
Variant type: Duplication.
Coding change: c.5203dup on transcript NM_000548.5 (MANE Select); coding-DNA position 5203, one base duplicated (A; older notation c.5203dupA).
Protein change: p.Ile1735fs; shifts the reading frame from isoleucine 1735.
Molecular consequence: frameshift variant.
Genome position (GRCh38, 1-based): chr16:2,088,269, A duplicated. VCF-style (leftmost placement, unchanged base first): chr16-2088268-T-TA. GRCh37 (hg19) VCF-style: chr16-2138269-T-TA.
Other names: c.5002dup, p.Ile1668fs (NM_001077183.3); c.5134dup, p.Ile1712fs (NM_001114382.3); c.4894dup, p.Ile1632fs (NM_001318827.2); c.4858dup, p.Ile1620fs (NM_001318829.2); c.4471dup, p.Ile1491fs (NM_001318831.2); c.5035dup, p.Ile1679fs (NM_001318832.2); c.5005dup, p.Ile1669fs (NM_001363528.2); c.5071dup, p.Ile1691fs (NM_001370404.1); and 2 more; short protein forms I1620fs, I1679fs, I1491fs, I1692fs, I1668fs, I1669fs, I1691fs, I1735fs.
Identifiers: ClinVar variation 280798 (VCV000280798.2), dbSNP rs886041940, ClinGen allele CA10603258.
Genomic context (GRCh38, chr16:2,088,268, plus strand): 5'-CCCCTGCCTACGTCCCCAGATGGCCTCACAGGTGCATCATAGCCGCTCCAACCCCACCGA[T>TA]ATCTACCCCTCCAAGTGGATTGCCCGGCTCCGCCACATCAAGCGGCTCCGCCAGCGGGTA-3'

ClinVar aggregate classification (germline): Pathogenic (1 of 4 stars; one submission).

Submission:

GeneDx
Classification: Pathogenic. Last evaluated: 2016-08-18. Review status: criteria provided, single submitter. Criteria: GeneDx Variant Classification (06012015). Collection method: clinical testing. Allele origin: germline. Affected: yes.
Comment: The c.5203dupA pathogenic variant in the TSC2 gene causes a frameshift starting with codon Isoleucine 1735, changes this amino acid to an Asparagine residue and creates a premature Stop codon at position 40 of the new reading frame, denoted p.Ile1735AsnfsX40. This pathogenic variant is predicted to cause loss of normal protein function through protein truncation, as the last 73 amino acids are replaced with 39 incorrect amino acids. Furthermore, it was not observed in approximately 6,500 individuals of European and African American ancestry in the NHLBI Exome Sequencing Project, indicating it is not a common benign variant in these populations.